The following is an entry in ClinVar:

NM_019851.3(FGF20):c.*182C>T

Gene: FGF20 (fibroblast growth factor 20; minus strand). Cytogenetic location: 8p22.
Variant type: single nucleotide variant.
Coding change: c.*182C>T on transcript NM_019851.3 (MANE Select); 182 bases downstream of the stop codon, C replaced by T.
Molecular consequence: 3 prime UTR variant.
Genome position (GRCh38, 1-based): chr8:16,992,890, G>A on the plus strand (C>T on the coding strand, the complement: FGF20 is on the minus strand). VCF-style: chr8-16992890-G-A. GRCh37 (hg19) VCF-style: chr8-16850399-G-A.
Other names: 951C/T.
Identifiers: ClinVar variation 4885 (VCV000004885.4), dbSNP rs12720208, ClinGen allele CA10602348.

ClinVar aggregate classification (germline): Benign. Review status: criteria provided, multiple submitters, no conflicts (2 of 4 stars). 3 submissions from 3 submitters: Benign (2). 1 of the submissions does not count toward it. Last evaluated 2021-06-19.

Conditions:
Parkinson disease, late-onset (PD). Also called: Susceptibility to Parkinson's Disease; Hereditary late onset Parkinson disease; PARKINSON DISEASE, LATE-ONSET, SUSCEPTIBILITY TO. Identifiers: Orphanet 411602, MedGen C3160718, MONDO:0008199, OMIM 168600.

Allele frequency attached by ClinVar (database versions not stated): 1000 Genomes Project 0.03415; 1000 Genomes Project 30x 0.03607; TOPMed 0.05343; gnomAD 0.05409 and 0.05484; gnomAD exomes 0.07079.

Submissions (3):

GeneDx
Classification: Benign. Last evaluated: 2021-06-19. Review status: criteria provided, single submitter. Criteria: GeneDx Variant Classification Process June 2021. Collection method: clinical testing. Allele origin: germline. Affected: yes.
Comment: This variant is associated with the following publications: (PMID: 20427658, 18252210, 30241547)

Breakthrough Genomics
Classification: Benign. Review status: criteria provided, single submitter. Criteria: ACMG Guidelines, 2015. Collection method: not provided. Allele origin: germline. Inheritance: Autosomal recessive inheritance. Affected: yes.

OMIM
Classification: Uncertain significance for RECLASSIFIED - VARIANT OF UNKNOWN SIGNIFICANCE. Last evaluated: 2009-02-15. Review status: no assertion criteria provided. Collection method: literature only. Allele origin: germline. Not counted in ClinVar's aggregate classification.

Literature cited by the submitters: PubMed 19133659 (cited by OMIM); PubMed 18252210 (cited by OMIM).